The following is an entry in ClinVar:

NM_000069.3(CACNA1S):c.982C>G (p.Leu328Val)

Gene: CACNA1S (calcium voltage-gated channel subunit alpha1 S; minus strand). Cytogenetic location: 1q32.1.
Variant type: single nucleotide variant.
Coding change: c.982C>G on transcript NM_000069.3 (MANE Select); coding-DNA position 982, C replaced by G.
Protein change: p.Leu328Val; replaces leucine 328 with valine.
Molecular consequence: missense variant.
Genome position (GRCh38, 1-based): chr1:201,087,848, G>C on the plus strand (C>G on the coding strand, the complement: CACNA1S is on the minus strand). VCF-style: chr1-201087848-G-C. GRCh37 (hg19) VCF-style: chr1-201056976-G-C.
Other names: short protein forms L328V.
Identifiers: ClinVar variation 3386397 (VCV003386397.1).

ClinVar aggregate classification (germline): Uncertain significance (1 of 4 stars; one submission).

Conditions:
Malignant hyperthermia, susceptibility to, 5 (MHS5). Also called: CACNA1S-Related Malignant Hyperthermia Susceptibility. Identifiers: Orphanet 423, MedGen C1866077, MONDO:0011163, OMIM 601887.

Submission:

All of Us Research Program, National Institutes of Health
Classification: Uncertain significance for Malignant hyperthermia, susceptibility to, 5. Last evaluated: 2024-06-11. Review status: criteria provided, single submitter. Criteria: ACMG Guidelines, 2015. Collection method: clinical testing. Allele origin: germline. Inheritance: Autosomal dominant inheritance. Observed: 1 variant allele, 1 heterozygote.
Comment: This study involves interpretation of variants in research participants for the purpose of population health screening. Participant phenotype was not available at the time of variant classification. Additional details can be found in publication PMID: 35346344, PMCID: PMC8962531